The following is an entry in ClinVar:

NM_000053.4(ATP7B):c.2328G>A (p.Leu776=)

Gene: ATP7B (ATPase copper transporting beta; minus strand). Cytogenetic location: 13q14.3.
Variant type: single nucleotide variant.
Coding change: c.2328G>A on transcript NM_000053.4 (MANE Select); coding-DNA position 2328, G replaced by A.
Protein change: p.Leu776=; no amino-acid change (leucine 776 retained).
Molecular consequence: synonymous variant. On other transcripts: intron variant (2).
Genome position (GRCh38, 1-based): chr13:51,958,338, C>T on the plus strand (G>A on the coding strand, the complement: ATP7B is on the minus strand). VCF-style: chr13-51958338-C-T. GRCh37 (hg19) VCF-style: chr13-52532474-C-T.
Other names: c.1995G>A, p.Leu665= (NM_001243182.2); c.2076G>A, p.Leu692= (NM_001330579.2); c.1870-731G>A (NM_001005918.3); c.2122-731G>A (NM_001330578.2).
Identifiers: ClinVar variation 1502733 (VCV001502733.7), dbSNP rs756580388, ClinGen allele CA6989059.
Genomic context (GRCh38, chr13:51,958,338, plus strand): 5'-GCAGCTCTTTTCTGAACCTGAAGCTGCTGTTACCTTTGCCAAGTGTTCCAGCCACCGGCC[C>T]AGGGCAATGAACACAAAGAGCATGGGGGGCGTGTCGAAGAATGTCACAGGGCTCCTCTCC-3'
Protein context (NP_000044.2, residues 766-786): TPPMLFVFIA[Leu776=]GRWLEHLAKS

ClinVar aggregate classification (germline): Likely benign. Review status: criteria provided, multiple submitters, no conflicts (2 of 4 stars). 3 submissions from 3 submitters: Likely benign (3). Last evaluated 2025-08-26.

Conditions:
Wilson disease (WND). Also called: Wilson's disease. Identifiers: Orphanet 905, MedGen C0019202, MONDO:0010200, OMIM 277900. Disease mechanism: loss of function.

Allele frequency attached by ClinVar (database versions not stated): gnomAD exomes below 0.00001 and 0.00002; ExAC 0.00003.
gnomAD v4.1: 3 of 1,614,196 alleles (0.00019%); highest among the groups gnomAD compares: East Asian, 0.0045%; no homozygotes.

Submissions (3):

Labcorp Genetics (formerly Invitae), Labcorp
Classification: Likely benign for Wilson disease. Last evaluated: 2025-08-26. Review status: criteria provided, single submitter. Criteria: Invitae Variant Classification Sherloc (09022015). Collection method: clinical testing. Allele origin: germline.

All of Us Research Program, National Institutes of Health
Classification: Likely benign for Wilson disease. Last evaluated: 2023-08-15. Review status: criteria provided, single submitter. Criteria: ACMG Guidelines, 2015. Collection method: clinical testing. Allele origin: germline. Inheritance: Autosomal recessive inheritance. Observed: 1 variant allele, 1 heterozygote.
Comment: This study involves interpretation of variants in research participants for the purpose of population health screening. Participant phenotype was not available at the time of variant classification. Additional details can be found in publication PMID: 35346344, PMCID: PMC8962531

Color Diagnostics, LLC DBA Color Health
Classification: Likely benign for Wilson disease. Last evaluated: 2022-08-10. Review status: criteria provided, single submitter. Criteria: ACMG Guidelines, 2015. Collection method: clinical testing. Allele origin: germline.